The following is an entry in ClinVar:

ClinVar aggregate classification (germline): Uncertain significance. Review status: criteria provided, multiple submitters, no conflicts (2 of 4 stars). 2 submissions from 2 submitters: Uncertain significance (2). Last evaluated 2025-12-21.

Conditions:
CACNA1G-related disorder. Also called: CACNA1G-related disorders; CACNA1G-related condition.

Submissions (2):

PreventionGenetics, part of Exact Sciences
Classification: Uncertain significance for CACNA1G-related condition. Last evaluated: 2025-12-21. Review status: criteria provided, single submitter. Criteria: ACMG Guidelines, 2015. Collection method: clinical testing. Allele origin: germline.
Comment: The CACNA1G c.2168G>C variant is predicted to result in the amino acid substitution p.Ser723Thr. To our knowledge, this variant has not been reported in the literature or in a large population database (gnomAD), indicating this variant is rare. At this time, the clinical significance of this variant is uncertain due to the absence of conclusive functional and genetic evidence.

GeneDx
Classification: Uncertain significance. Last evaluated: 2025-05-02. Review status: criteria provided, single submitter. Criteria: GeneDx Variant Classification Process June 2021. Collection method: clinical testing. Allele origin: germline. Affected: yes.
Comment: Not observed at significant frequency in large population cohorts (gnomAD); In silico analysis suggests that this missense variant does not alter protein structure/function; Has not been previously published as pathogenic or benign to our knowledge

NM_018896.5(CACNA1G):c.2168G>C (p.Ser723Thr)

Gene: CACNA1G (calcium voltage-gated channel subunit alpha1 G; plus strand). Cytogenetic location: 17q21.33.
Variant type: single nucleotide variant.
Coding change: c.2168G>C on transcript NM_018896.5 (MANE Select); coding-DNA position 2168, G replaced by C.
Protein change: p.Ser723Thr; replaces serine 723 with threonine.
Molecular consequence: missense variant. On other transcripts: non-coding transcript variant (5).
Genome position (GRCh38, 1-based): chr17:50,578,431, G>C. VCF-style: chr17-50578431-G-C. GRCh37 (hg19) VCF-style: chr17-48655792-G-C.
Other names: c.2168G>C, p.Ser723Thr (NM_001256324.2, NM_198382.3, NM_198383.3 and 24 more transcripts); short protein forms S723T.
Identifiers: ClinVar variation 4528079 (VCV004528079.2).